The following is an entry in ClinVar:

ClinVar aggregate classification (germline): Likely benign (1 of 4 stars; one submission).

gnomAD v4.1: 344 of 1,614,136 alleles (0.021%); highest among the groups gnomAD compares: Non-Finnish European, 0.029%; no homozygotes.

Submission:

CeGaT Center for Human Genetics Tuebingen
Classification: Likely benign. Last evaluated: 2026-03-01. Review status: criteria provided, single submitter. Criteria: CeGaT Center For Human Genetics Tuebingen Variant Classification Criteria Version 2. Collection method: clinical testing. Allele origin: germline. Affected: yes. Observed: 1 variant allele.
Comment: MAP1B: BP4, BP7

NM_005909.5(MAP1B):c.1725A>G (p.Glu575=)

Gene: MAP1B (microtubule associated protein 1B; plus strand). Cytogenetic location: 5q13.2.
Variant type: single nucleotide variant.
Coding change: c.1725A>G on transcript NM_005909.5 (MANE Select); coding-DNA position 1725, A replaced by G.
Protein change: p.Glu575=; no amino-acid change (glutamic acid 575 retained).
Molecular consequence: synonymous variant.
Genome position (GRCh38, 1-based): chr5:72,195,080, A>G. VCF-style: chr5-72195080-A-G. GRCh37 (hg19) VCF-style: chr5-71490907-A-G.
Other names: c.1347A>G, p.Glu449= (NM_001324255.2).
Identifiers: ClinVar variation 4821822 (VCV004821822.4).